The following is an entry in ClinVar:

ClinVar aggregate classification (germline): Uncertain significance. Review status: criteria provided, multiple submitters, no conflicts (2 of 4 stars). 2 submissions from 2 submitters: Uncertain significance (2). Last evaluated 2023-08-04.

Conditions:
Autosomal dominant limb-girdle muscular dystrophy type 1D (DNAJB6) (LGMDD1). Also called: MUSCULAR DYSTROPHY, LIMB-GIRDLE, TYPE 1D; MUSCULAR DYSTROPHY, AUTOSOMAL DOMINANT, WITH RIMMED VACUOLES; Autosomal dominant limb-girdle muscular dystrophy type 1D; Muscular dystrophy, limb-girdle, autosomal dominant 1. Identifiers: Orphanet 34516, MedGen C4721885, MONDO:0021018, OMIM 603511.

Allele frequency attached by ClinVar (database versions not stated): TOPMed 0.00001; gnomAD 0.00002; gnomAD exomes 0.00006.
gnomAD v4.1: 88 of 1,536,528 alleles (0.0057%); highest among the groups gnomAD compares: Non-Finnish European, 0.0073%; no homozygotes.

Submissions (2):

Labcorp Genetics (formerly Invitae), Labcorp
Classification: Uncertain significance for Autosomal dominant limb-girdle muscular dystrophy type 1D (DNAJB6). Last evaluated: 2023-08-04. Review status: criteria provided, single submitter. Criteria: Invitae Variant Classification Sherloc (09022015). Collection method: clinical testing. Allele origin: germline.
Comment: In summary, the available evidence is currently insufficient to determine the role of this variant in disease. Therefore, it has been classified as a Variant of Uncertain Significance. ClinVar contains an entry for this variant (Variation ID: 1704701). This variant has not been reported in the literature in individuals affected with DNAJB6-related conditions. The frequency data for this variant in the population databases is considered unreliable, as metrics indicate poor data quality at this position in the gnomAD database. This sequence change creates a premature translational stop signal (p.Glu282*) in the DNAJB6 gene. It is expected to result in an absent or disrupted protein product. However, the current clinical and genetic evidence is not sufficient to establish whether loss-of-function variants in DNAJB6 cause disease.

GeneDx
Classification: Uncertain significance. Last evaluated: 2022-03-10. Review status: criteria provided, single submitter. Criteria: GeneDx Variant Classification Process June 2021. Collection method: clinical testing. Allele origin: germline. Affected: yes.
Comment: Not observed at significant frequency in large population cohorts (gnomAD); Nonsense variant predicted to result in protein truncation as the last 45 amino acids are lost, although loss-of-function variants have not been reported downstream of this position in the protein; Has not been previously published as pathogenic or benign to our knowledge

NM_058246.4(DNAJB6):c.844G>T (p.Glu282Ter)

Gene: DNAJB6 (DnaJ heat shock protein family (Hsp40) member B6; plus strand). Cytogenetic location: 7q36.3.
Variant type: single nucleotide variant.
Coding change: c.844G>T on transcript NM_058246.4 (MANE Select); coding-DNA position 844, G replaced by T.
Protein change: p.Glu282Ter; replaces glutamic acid 282 with a stop codon.
Molecular consequence: nonsense.
Genome position (GRCh38, 1-based): chr7:157,409,947, G>T. VCF-style: chr7-157409947-G-T. GRCh37 (hg19) VCF-style: chr7-157202641-G-T.
Other names: c.499G>T, p.Glu167Ter (NM_001363676.1); short protein forms E167*, E282*.
Identifiers: ClinVar variation 1704701 (VCV001704701.5), dbSNP rs911721201, ClinGen allele CA169899218.